The following is an entry in ClinVar:

ClinVar aggregate classification (germline): Uncertain significance (1 of 4 stars; one submission).

Conditions:
Hereditary cancer-predisposing syndrome. Also called: Neoplastic Syndromes, Hereditary; Tumor predisposition; Hereditary Cancer Syndrome; Hereditary neoplastic syndrome. Identifiers: Orphanet 140162, MedGen C0027672, MeSH D009386, MONDO:0015356.

Submission:

Ambry Genetics
Classification: Uncertain significance for Hereditary cancer-predisposing syndrome. Last evaluated: 2022-02-09. Review status: criteria provided, single submitter. Criteria: Ambry Variant Classification Scheme 2023. Collection method: clinical testing. Allele origin: germline.
Comment: The p.T999P variant (also known as c.2995A>C), located in coding exon 4 of the MSH6 gene, results from an A to C substitution at nucleotide position 2995. The threonine at codon 999 is replaced by proline, an amino acid with highly similar properties. This amino acid position is well conserved in available vertebrate species. In addition, this alteration is predicted to be deleterious by in silico analysis. Since supporting evidence is limited at this time, the clinical significance of this alteration remains unclear.

NM_000179.3(MSH6):c.2995A>C (p.Thr999Pro)

Gene: MSH6 (mutS homolog 6; plus strand). Cytogenetic location: 2p16.3.
Variant type: single nucleotide variant.
Coding change: c.2995A>C on transcript NM_000179.3 (MANE Select); coding-DNA position 2995, A replaced by C.
Protein change: p.Thr999Pro; replaces threonine 999 with proline.
Molecular consequence: missense variant.
Genome position (GRCh38, 1-based): chr2:47,800,978, A>C. VCF-style: chr2-47800978-A-C. GRCh37 (hg19) VCF-style: chr2-48028117-A-C.
Other names: c.3091A>C, p.Thr1031Pro (NM_001406802.1, NM_001406795.1); c.2917A>C, p.Thr973Pro (NM_001406804.1); c.2698A>C, p.Thr900Pro (NM_001406805.1, NM_001406818.1, NM_001406819.1 and 10 more transcripts); c.2470A>C, p.Thr824Pro (NM_001406806.1, NM_001406807.1, NM_001406799.1); c.2995A>C, p.Thr999Pro (NM_001406808.1, NM_001406809.1, NM_001406796.1 and 2 more transcripts); c.2089A>C, p.Thr697Pro (NM_001406811.1, NM_001406812.1, NM_001406814.1 and 6 more transcripts); c.3001A>C, p.Thr1001Pro (NM_001406813.1); c.2827A>C, p.Thr943Pro (NM_001406826.1); and 2 more; short protein forms T943P, T1001P, T824P, T973P, T999P, T697P, T869P, T900P.
Identifiers: ClinVar variation 1798562 (VCV001798562.2), dbSNP rs777257986, ClinGen allele CA346756387.
Genomic context (GRCh38, chr2:47,800,978, plus strand): 5'-CTGGAAATTCCTGAGAATTTCACCACTCGCAATTTGCCAGAAGAATACGAGTTGAAATCT[A>C]CCAAGAAGGGCTGTAAACGATACTGGACCAAAACTATTGAAAAGAAGTTGGCTAATCTCA-3'
Protein context (NP_000170.1, residues 989-1009): NLPEEYELKS[Thr999Pro]KKGCKRYWTK